The following is an entry in ClinVar:

NM_015910.7(WDPCP):c.763A>T (p.Ile255Phe)

Gene: WDPCP (WD repeat containing planar cell polarity effector; minus strand). Cytogenetic location: 2p15.
Variant type: single nucleotide variant.
Coding change: c.763A>T on transcript NM_015910.7 (MANE Select); coding-DNA position 763, A replaced by T.
Protein change: p.Ile255Phe; replaces isoleucine 255 with phenylalanine.
Molecular consequence: missense variant. On other transcripts: non-coding transcript variant (3).
Genome position (GRCh38, 1-based): chr2:63,433,807, T>A on the plus strand (A>T on the coding strand, the complement: WDPCP is on the minus strand). VCF-style: chr2-63433807-T-A. GRCh37 (hg19) VCF-style: chr2-63660941-T-A.
Other names: c.286A>T, p.Ile96Phe (NM_001042692.3); c.691A>T, p.Ile231Phe (NM_001354044.2); c.763A>T, p.Ile255Phe (NM_001354045.2); short protein forms I255F, I231F, I96F.
Identifiers: ClinVar variation 1405769 (VCV001405769.9), dbSNP rs764485190, ClinGen allele CA347062434.

ClinVar aggregate classification (germline): Uncertain significance. Review status: criteria provided, multiple submitters, no conflicts (2 of 4 stars). 2 submissions from 2 submitters: Uncertain significance (2). Last evaluated 2023-12-11.

Conditions:
Bardet-Biedl syndrome (BBS). Identifiers: Orphanet 110, MedGen C0752166, MONDO:0015229.

gnomAD v4.1: 6 of 1,612,162 alleles (0.00037%); highest among the groups gnomAD compares: Non-Finnish European, 0.00042%; no homozygotes.

Submissions (2):

Labcorp Genetics (formerly Invitae), Labcorp
Classification: Uncertain significance for Bardet-Biedl syndrome. Last evaluated: 2023-12-11. Review status: criteria provided, single submitter. Criteria: Invitae Variant Classification Sherloc (09022015). Collection method: clinical testing. Allele origin: germline.
Comment: This sequence change replaces isoleucine, which is neutral and non-polar, with phenylalanine, which is neutral and non-polar, at codon 255 of the WDPCP protein (p.Ile255Phe). This variant is not present in population databases (gnomAD no frequency). This variant has not been reported in the literature in individuals affected with WDPCP-related conditions. ClinVar contains an entry for this variant (Variation ID: 1405769). Advanced modeling of protein sequence and biophysical properties (such as structural, functional, and spatial information, amino acid conservation, physicochemical variation, residue mobility, and thermodynamic stability) performed at Invitae indicates that this missense variant is not expected to disrupt WDPCP protein function with a negative predictive value of 80%. In summary, the available evidence is currently insufficient to determine the role of this variant in disease. Therefore, it has been classified as a Variant of Uncertain Significance.

Blueprint Genetics
Classification: Uncertain significance. Last evaluated: 2021-11-03. Review status: criteria provided, single submitter. Criteria: ACMG Guidelines, 2015. Collection method: clinical testing. Allele origin: germline.